The following is an entry in ClinVar:

ClinVar aggregate classification (germline): Likely benign. Review status: criteria provided, multiple submitters, no conflicts (2 of 4 stars). 2 submissions from 2 submitters: Likely benign (2). Last evaluated 2025-10-01.

gnomAD v4.1: 19 of 1,614,042 alleles (0.0012%); highest among the groups gnomAD compares: Non-Finnish European, 0.0016%; no homozygotes.

Submissions (2):

CeGaT Center for Human Genetics Tuebingen
Classification: Likely benign. Last evaluated: 2025-10-01. Review status: criteria provided, single submitter. Criteria: CeGaT Center For Human Genetics Tuebingen Variant Classification Criteria Version 2. Collection method: clinical testing. Allele origin: germline. Affected: yes. Observed: 1 variant allele.
Comment: CPLANE1: BP4, BP7

Blueprint Genetics
Classification: Likely benign. Last evaluated: 2023-02-16. Review status: criteria provided, single submitter. Criteria: ACMG Guidelines, 2015. Collection method: clinical testing. Allele origin: germline.

NM_001384732.1(CPLANE1):c.6072A>T (p.Thr2024=)

Gene: CPLANE1 (ciliogenesis and planar polarity effector complex subunit 1; minus strand). Cytogenetic location: 5p13.2.
Variant type: single nucleotide variant.
Coding change: c.6072A>T on transcript NM_001384732.1 (MANE Select); coding-DNA position 6072, A replaced by T.
Protein change: p.Thr2024=; no amino-acid change (threonine 2024 retained).
Molecular consequence: synonymous variant.
Genome position (GRCh38, 1-based): chr5:37,173,854, T>A on the plus strand (A>T on the coding strand, the complement: CPLANE1 is on the minus strand). VCF-style: chr5-37173854-T-A. GRCh37 (hg19) VCF-style: chr5-37173956-T-A.
Other names: c.6072A>T, p.Thr2024= (NM_023073.4).
Identifiers: ClinVar variation 4533888 (VCV004533888.7).